The following is an entry in ClinVar:

NM_003482.4(KMT2D):c.15254A>G (p.His5085Arg)

Gene: KMT2D (lysine methyltransferase 2D; minus strand). Cytogenetic location: 12q13.12.
Variant type: single nucleotide variant.
Coding change: c.15254A>G on transcript NM_003482.4 (MANE Select); coding-DNA position 15254, A replaced by G.
Protein change: p.His5085Arg; replaces histidine 5085 with arginine.
Molecular consequence: missense variant.
Genome position (GRCh38, 1-based): chr12:49,026,712, T>C on the plus strand (A>G on the coding strand, the complement: KMT2D is on the minus strand). VCF-style: chr12-49026712-T-C. GRCh37 (hg19) VCF-style: chr12-49420495-T-C.
Other names: short protein forms H5085R.
Identifiers: ClinVar variation 1393810 (VCV001393810.6), dbSNP rs2120361940, ClinGen allele CA384688886.

ClinVar aggregate classification (germline): Uncertain significance (1 of 4 stars; one submission).

Conditions:
Kabuki syndrome. Also called: Kabuki make-up syndrome; NIIKAWA-KUROKI SYNDROME. Identifiers: Orphanet 2322, MedGen C0796004, MONDO:0016512.

Submission:

Labcorp Genetics (formerly Invitae), Labcorp
Classification: Uncertain significance for Kabuki syndrome. Last evaluated: 2021-11-18. Review status: criteria provided, single submitter. Criteria: Invitae Variant Classification Sherloc (09022015). Collection method: clinical testing. Allele origin: germline.
Comment: This variant has not been reported in the literature in individuals affected with KMT2D-related conditions. In summary, the available evidence is currently insufficient to determine the role of this variant in disease. Therefore, it has been classified as a Variant of Uncertain Significance. Advanced modeling of protein sequence and biophysical properties (such as structural, functional, and spatial information, amino acid conservation, physicochemical variation, residue mobility, and thermodynamic stability) performed at Invitae indicates that this missense variant is not expected to disrupt KMT2D protein function. This variant is not present in population databases (gnomAD no frequency). This sequence change replaces histidine, which is basic and polar, with arginine, which is basic and polar, at codon 5085 of the KMT2D protein (p.His5085Arg).